The following is an entry in ClinVar:

NM_004539.4(NARS1):c.53G>A (p.Gly18Glu)

Gene: NARS1 (asparaginyl-tRNA synthetase 1; minus strand). Cytogenetic location: 18q21.31.
Variant type: single nucleotide variant.
Coding change: c.53G>A on transcript NM_004539.4 (MANE Select); coding-DNA position 53, G replaced by A.
Protein change: p.Gly18Glu; replaces glycine 18 with glutamic acid.
Molecular consequence: missense variant.
Genome position (GRCh38, 1-based): chr18:57,620,609, C>T on the plus strand (G>A on the coding strand, the complement: NARS1 is on the minus strand). VCF-style: chr18-57620609-C-T. GRCh37 (hg19) VCF-style: chr18-55287841-C-T.
Other names: short protein forms G18E.
Identifiers: ClinVar variation 3336241 (VCV003336241.1).

ClinVar aggregate classification (germline): Uncertain significance (1 of 4 stars; one submission).

Submission:

Women's Health and Genetics/Laboratory Corporation of America, LabCorp
Classification: Uncertain significance. Last evaluated: 2024-05-02. Review status: criteria provided, single submitter. Criteria: LabCorp Variant Classification Summary - May 2015. Collection method: clinical testing. Allele origin: germline.
Comment: Variant summary: NARS c.53G>A (p.Gly18Glu) results in a non-conservative amino acid change located in the Asparagine--tRNA ligase, N-terminal domain of the encoded protein sequence. Four of five in-silico tools predict a damaging effect of the variant on protein function. The variant was absent in 251300 control chromosomes. The available data on variant occurrences in the general population are insufficient to allow any conclusion about variant significance. To our knowledge, no occurrence of c.53G>A in individuals affected with NARS1-Related Disorders and no experimental evidence demonstrating its impact on protein function have been reported. No submitters have cited clinical-significance assessments for this variant to ClinVar. Based on the evidence outlined above, the variant was classified as uncertain significance.